The following is an entry in ClinVar:

ClinVar aggregate classification (germline): Conflicting classifications of pathogenicity. Review status: criteria provided, conflicting classifications (1 of 4 stars). 6 submissions from 6 submitters: Likely pathogenic (1); Uncertain significance (5). Last evaluated 2026-09-08.

Conditions:
GLA-related disorder. Also called: GLA-related condition.
Fabry disease. Also called: ALPHA-GALACTOSIDASE A DEFICIENCY; ANDERSON-FABRY DISEASE; Fabry's disease; CERAMIDE TRIHEXOSIDASE DEFICIENCY; GLA DEFICIENCY; HEREDITARY DYSTOPIC LIPIDOSIS. Identifiers: Orphanet 324, MedGen C0002986, MONDO:0010526, OMIM 301500, HP:0001071. Disease mechanism: Fabry disease is due to inactivating mutations in the X-linked GLA gene resulting in deficiency of the enzyme Alpha Galactosidase-A., loss of function.
Steroid-resistant nephrotic syndrome. Identifiers: MedGen C0403397, MONDO:0044765, HP:0012588.

Allele frequency attached by ClinVar (database versions not stated): gnomAD exomes below 0.00001; gnomAD 0.00001.
gnomAD v4.1: 3 of 1,209,923 alleles (0.00025%); highest among the groups gnomAD compares: Non-Finnish European, 0.00034%; no homozygotes.

Submissions (6):

Genomenon, Inc
Classification: Uncertain significance for Fabry disease. Last evaluated: 2026-09-08. Review status: criteria provided, single submitter. Criteria: Genomenon Sequence Variant Interpretation Standards - Updated. Collection method: curation. Allele origin: germline. Affected: yes.
Comment: GLA p.Val339Ala (c.1016T>C) is a missense variant that changes the amino acid at codon 339 from Valine to Alanine. This variant has been observed in at least one proband with clinical features consistent with Fabry disease (PMID:31860127). It is absent or not present at a significant frequency in gnomAD. In silico models predict that this variant is possibly or probably damaging. In conclusion, we classify GLA p.Val339Ala (c.1016T>C) as a variant of uncertain significance.

Clinical Genetics Laboratory, Skane University Hospital Lund
Classification: Uncertain significance for Steroid-resistant nephrotic syndrome. Last evaluated: 2025-09-15. Review status: criteria provided, single submitter. Criteria: ACMG Guidelines, 2015. Collection method: clinical testing. Allele origin: germline. Affected: yes.
Comment: ACMG criteria used: PP3

Blueprint Genetics
Classification: Likely pathogenic for GLA-related disorders. Last evaluated: 2023-09-16. Review status: criteria provided, single submitter. Criteria: ACMG Guidelines, 2015. Collection method: clinical testing. Allele origin: germline. Affected: yes. Observed: 1 variant allele.

Labcorp Genetics (formerly Invitae), Labcorp
Classification: Uncertain significance for Fabry disease. Last evaluated: 2023-01-16. Review status: criteria provided, single submitter. Criteria: Invitae Variant Classification Sherloc (09022015). Collection method: clinical testing. Allele origin: germline.
Comment: In summary, the available evidence is currently insufficient to determine the role of this variant in disease. Therefore, it has been classified as a Variant of Uncertain Significance. This variant disrupts the p.Val339 amino acid residue in GLA. Other variant(s) that disrupt this residue have been observed in individuals with GLA-related conditions (PMID: 30988410, 31860127), which suggests that this may be a clinically significant amino acid residue. Advanced modeling of protein sequence and biophysical properties (such as structural, functional, and spatial information, amino acid conservation, physicochemical variation, residue mobility, and thermodynamic stability) performed at Invitae indicates that this missense variant is not expected to disrupt GLA protein function. ClinVar contains an entry for this variant (Variation ID: 222122). This missense change has been observed in individual(s) with clinical features of GLA-related conditions (PMID: 31860127). This variant is not present in population databases (gnomAD no frequency). This sequence change replaces valine, which is neutral and non-polar, with alanine, which is neutral and non-polar, at codon 339 of the GLA protein (p.Val339Ala).

Genome-Nilou Lab
Classification: Uncertain significance for Fabry disease. Last evaluated: 2021-07-15. Review status: criteria provided, single submitter. Criteria: ACMG Guidelines, 2015. Collection method: clinical testing. Allele origin: germline. Affected: no.

Color Diagnostics, LLC DBA Color Health
Classification: Uncertain significance for Fabry disease. Last evaluated: 2019-01-04. Review status: criteria provided, single submitter. Criteria: ACMG Guidelines, 2015. Collection method: clinical testing. Allele origin: germline.
Comment: Variant of Uncertain Significance due to insufficient evidence: This missense variant replaces valine with alanine at codon 339 of the GLA protein. Computational prediction tools and conservation analyses suggest that this variant may have deleterious impact on the protein function. Computational splicing tools suggest that this variant may not impact RNA splicing. To our knowledge, functional assays have not been performed for this variant nor has this variant been reported in individuals affected with cardiovascular disorders in the literature. This variant is rare in the general population and has been identified in 0/277264 chromosomes by the Genome Aggregation Database (gnomAD). Available evidence is insufficient to determine the role of this variant in disease conclusively.

Literature cited by the submitters: PubMed 31860127 (cited by Genomenon, Inc and Labcorp Genetics (formerly Invitae), Labcorp); PubMed 30988410 (cited by Labcorp Genetics (formerly Invitae), Labcorp).

NM_000169.3(GLA):c.1016T>C (p.Val339Ala)

Genes: GLA (galactosidase alpha; minus strand), RPL36A-HNRNPH2 (RPL36A-HNRNPH2 readthrough; plus strand). Cytogenetic location: Xq22.1.
Variant type: single nucleotide variant.
Coding change: c.1016T>C on transcript NM_000169.3 (MANE Select); coding-DNA position 1016, T replaced by C.
Protein change: p.Val339Ala; replaces valine 339 with alanine.
Molecular consequence: missense variant. On other transcripts: non-coding transcript variant (3), intron variant (2).
Genome position (GRCh38, 1-based): chrX:101,398,083, A>G on the plus strand (T>C on the coding strand, the complement: GLA is on the minus strand). VCF-style: chrX-101398083-A-G. GRCh37 (hg19) VCF-style: chrX-100653071-A-G.
Other names: c.1139T>C, p.Val380Ala (NM_001406747.1); c.300+2626A>G (NM_001199973.2); c.177+6261A>G (NM_001199974.2); short protein forms V339A, V380A.
Identifiers: ClinVar variation 222122 (VCV000222122.17), dbSNP rs869312211, ClinGen allele CA352551.
Genomic context (GRCh38, chrX:101,398,083, plus strand): 5'-ATCTCCTGCCGGTTTATCATAGCTACAGCCCAGGCTAAGCCTGAGAGAGGTCGTTCCCAC[A>G]CTTCAAAGTTGTCTCCCTGAAAAACCAAGAAAGTGTGGTTGCTTAGCAACTAGTGATAAG-3'
Protein context (NP_000160.1, residues 329-349): YQLRQGDNFE[Val339Ala]WERPLSGLAW